The following is an entry in ClinVar:

ClinVar aggregate classification (germline): Uncertain significance. Review status: criteria provided, multiple submitters, no conflicts (2 of 4 stars). 2 submissions from 2 submitters: Uncertain significance (2). Last evaluated 2023-07-07.

Conditions:
Birt-Hogg-Dube syndrome. Also called: Birt Hogg Dubé syndrome. Identifiers: Orphanet 122, MedGen C0346010, MONDO:0800444.
Hereditary cancer-predisposing syndrome. Also called: Hereditary Cancer Syndrome; Neoplastic Syndromes, Hereditary; Tumor predisposition; Hereditary neoplastic syndrome. Identifiers: Orphanet 140162, MedGen C0027672, MeSH D009386, MONDO:0015356.

gnomAD v4.1: 1 of 1,614,260 alleles (0.000062%); highest among the groups gnomAD compares: Non-Finnish European, 0.000085%; no homozygotes.

Submissions (2):

Labcorp Genetics (formerly Invitae), Labcorp
Classification: Uncertain significance for Birt-Hogg-Dube syndrome. Last evaluated: 2023-07-07. Review status: criteria provided, single submitter. Criteria: Invitae Variant Classification Sherloc (09022015). Collection method: clinical testing. Allele origin: germline.
Comment: This sequence change replaces isoleucine, which is neutral and non-polar, with leucine, which is neutral and non-polar, at codon 538 of the FLCN protein (p.Ile538Leu). This variant is not present in population databases (gnomAD no frequency). This variant has not been reported in the literature in individuals affected with FLCN-related conditions. ClinVar contains an entry for this variant (Variation ID: 1352071). Advanced modeling of protein sequence and biophysical properties (such as structural, functional, and spatial information, amino acid conservation, physicochemical variation, residue mobility, and thermodynamic stability) performed at Invitae indicates that this missense variant is not expected to disrupt FLCN protein function. In summary, the available evidence is currently insufficient to determine the role of this variant in disease. Therefore, it has been classified as a Variant of Uncertain Significance.

Ambry Genetics
Classification: Uncertain significance for Hereditary cancer-predisposing syndrome. Last evaluated: 2022-08-05. Review status: criteria provided, single submitter. Criteria: Ambry Variant Classification Scheme 2023. Collection method: clinical testing. Allele origin: germline.
Comment: The p.I538L variant (also known as c.1612A>C), located in coding exon 11 of the FLCN gene, results from an A to C substitution at nucleotide position 1612. The isoleucine at codon 538 is replaced by leucine, an amino acid with highly similar properties. This amino acid position is conserved. In addition, this alteration is predicted to be tolerated by in silico analysis. Since supporting evidence is limited at this time, the clinical significance of this alteration remains unclear.

NM_144997.7(FLCN):c.1612A>C (p.Ile538Leu)

Gene: FLCN (folliculin; minus strand). Cytogenetic location: 17p11.2.
Variant type: single nucleotide variant.
Coding change: c.1612A>C on transcript NM_144997.7 (MANE Select); coding-DNA position 1612, A replaced by C.
Protein change: p.Ile538Leu; replaces isoleucine 538 with leucine.
Molecular consequence: missense variant.
Genome position (GRCh38, 1-based): chr17:17,213,783, T>G on the plus strand (A>C on the coding strand, the complement: FLCN is on the minus strand). VCF-style: chr17-17213783-T-G. GRCh37 (hg19) VCF-style: chr17-17117097-T-G.
Other names: c.1666A>C, p.Ile556Leu (NM_001353229.2); c.1612A>C, p.Ile538Leu (NM_001353230.2, NM_001353231.2); short protein forms I556L, I538L.
Identifiers: ClinVar variation 1352071 (VCV001352071.10), dbSNP rs2046821567, ClinGen allele CA398530017.